The following is an entry in ClinVar:

NM_033305.3(VPS13A):c.5117_5122del (p.Thr1706_Glu1707del)

Gene: VPS13A (vacuolar protein sorting 13 homolog A; plus strand). Cytogenetic location: 9q21.2.
Variant type: Deletion.
Coding change: c.5117_5122del on transcript NM_033305.3 (MANE Select); coding-DNA positions 5117 to 5122, 6 bases deleted (CTGAAA; older notation c.5117_5122delCTGAAA).
Protein change: p.Thr1706_Glu1707del.
Molecular consequence: inframe deletion.
Genome position (GRCh38, 1-based): chr9:77,318,395-77,318,400, CTGAAA deleted; deleting any 6 consecutive bases within chr9:77,318,390-77,318,400 gives the same sequence; the c. name uses the placement nearest the transcript's 3' end. VCF-style (leftmost placement, unchanged base first): chr9-77318389-ATGAAAC-A. GRCh37 (hg19) VCF-style: chr9-79933305-ATGAAAC-A.
Other names: c.5000_5005del, p.Thr1667_Glu1668del (NM_001018037.2); c.5117_5122del, p.Thr1706_Glu1707del (NM_001018038.3, NM_015186.4).
Identifiers: ClinVar variation 553005 (VCV000553005.4), dbSNP rs753852395, ClinGen allele CA5092687.
Genomic context (GRCh38, chr9:77,318,389, plus strand): 5'-CACATTTATGGGAAAAGAAGGATACAAAGACTTTAAAAATGTGGTTTCTTGAAGAATCAA[ATGAAAC>A]TGAAAAAATAGCTCCCACAACTGAATTGGTACCCAAAGGCGAGATGATAAAAATGAACAT-3'

ClinVar aggregate classification (germline): Uncertain significance. Review status: criteria provided, single submitter (1 of 4 stars). 2 submissions from 2 submitters: Uncertain significance (1). 1 of the submissions does not count toward it. Last evaluated 2022-05-18.

Conditions:
VPS13A-related neurodegenerative disease. Also called: LEVINE-CRITCHLEY SYNDROME; Choreoacanthocytosis; Chorea-acanthocytosis; VPS13A Disease; Choreaacanthocytosis; ACANTHOCYTOSIS WITH NEUROLOGIC DISORDER. Identifiers: Orphanet 2388, MedGen C0393576, MONDO:0008695, OMIM 200150.

Submissions (2):

Labcorp Genetics (formerly Invitae), Labcorp
Classification: Uncertain significance. Last evaluated: 2022-05-18. Review status: criteria provided, single submitter. Criteria: Invitae Variant Classification Sherloc (09022015). Collection method: clinical testing. Allele origin: germline.
Comment: This variant, c.5117_5122del, results in the deletion of 2 amino acid(s) of the VPS13A protein (p.Thr1706_Glu1707del), but otherwise preserves the integrity of the reading frame. This variant is present in population databases (rs753852395, gnomAD 0.05%). This variant has not been reported in the literature in individuals affected with VPS13A-related conditions. ClinVar contains an entry for this variant (Variation ID: 553005). Experimental studies and prediction algorithms are not available or were not evaluated, and the functional significance of this variant is currently unknown. In summary, the available evidence is currently insufficient to determine the role of this variant in disease. Therefore, it has been classified as a Variant of Uncertain Significance.

Counsyl
Classification: Uncertain significance for VPS13A-related neurodegenerative disease. Last evaluated: 2017-07-25. Review status: no assertion criteria provided. Collection method: clinical testing. Allele origin: unknown. Not counted in ClinVar's aggregate classification.